The following is an entry in ClinVar:

NM_024675.4(PALB2):c.-39G>T

Gene: PALB2 (partner and localizer of BRCA2; minus strand). Cytogenetic location: 16p12.2.
Variant type: single nucleotide variant.
Coding change: c.-39G>T on transcript NM_024675.4 (MANE Select); 39 bases upstream of the start codon, G replaced by T.
Molecular consequence: 5 prime UTR variant.
Genome position (GRCh38, 1-based): chr16:23,641,196, C>A on the plus strand (G>T on the coding strand, the complement: PALB2 is on the minus strand). VCF-style: chr16-23641196-C-A. GRCh37 (hg19) VCF-style: chr16-23652517-C-A.
Identifiers: ClinVar variation 516312 (VCV000516312.1), dbSNP rs1175612919, ClinGen allele CA621336762.

ClinVar aggregate classification (germline): Likely benign (1 of 4 stars; one submission).

Allele frequency attached by ClinVar (database versions not stated): gnomAD 0.00001; gnomAD exomes below 0.00001.
gnomAD v4.1: 2 of 1,604,560 alleles (0.00012%); highest among the groups gnomAD compares: African/African-American, 0.0013%; no homozygotes.

Submission:

GeneDx
Classification: Likely benign. Last evaluated: 2017-09-28. Review status: criteria provided, single submitter. Criteria: GeneDx Variant Classification (06012015). Collection method: clinical testing. Allele origin: germline. Affected: yes.
Comment: This variant is considered likely benign or benign based on one or more of the following criteria: it is a conservative change, it occurs at a poorly conserved position in the protein, it is predicted to be benign by multiple in silico algorithms, and/or has population frequency not consistent with disease.